The following is an entry in ClinVar:

ClinVar aggregate classification (germline): Pathogenic (1 of 4 stars; one submission).

Conditions:
Hereditary cancer-predisposing syndrome. Also called: Neoplastic Syndromes, Hereditary; Tumor predisposition; Hereditary neoplastic syndrome; Hereditary Cancer Syndrome. Identifiers: Orphanet 140162, MedGen C0027672, MeSH D009386, MONDO:0015356.

Submission:

Ambry Genetics
Classification: Pathogenic for Hereditary cancer-predisposing syndrome. Last evaluated: 2026-06-25. Review status: criteria provided, single submitter. Criteria: Ambry Variant Classification Scheme 2023. Collection method: clinical testing. Allele origin: germline.
Comment: The c.3256_3257delCCinsA pathogenic mutation, located in coding exon 5 of the MSH6 gene, results from the deletion of two nucleotides and insertion of one nucleotide causing a translational frameshift with a predicted alternate stop codon (p.P1086Tfs*4). This variant is considered to be rare based on population cohorts in the Genome Aggregation Database (gnomAD). This alteration is expected to result in loss of function by premature protein truncation or nonsense-mediated mRNA decay. As such, this alteration is interpreted as a disease-causing mutation.

NM_000179.3(MSH6):c.3256_3257delinsA (p.Pro1086fs)

Gene: MSH6 (mutS homolog 6; plus strand). Cytogenetic location: 2p16.3.
Variant type: Indel.
Coding change: c.3256_3257delinsA on transcript NM_000179.3 (MANE Select); coding-DNA positions 3256 to 3257, CC replaced by A.
Protein change: p.Pro1086fs; shifts the reading frame from proline 1086.
Molecular consequence: frameshift variant. On other transcripts: non-coding transcript variant (5), intron variant (1).
Genome position (GRCh38, 1-based): chr2:47,803,503-47,803,504, CC replaced by A. VCF-style: chr2-47803503-CC-A. GRCh37 (hg19) VCF-style: chr2-48030642-CC-A.
Other names: c.3173-91_3173-90delinsA (NM_001406798.1); c.3088_3089delinsA, p.Pro1030fs (NM_001406826.1); c.2959_2960delinsA, p.Pro987fs (NM_001406827.1, NM_001406828.1, NM_001406830.1 and 10 more transcripts); c.2350_2351delinsA, p.Pro784fs (NM_001406829.1, NM_001406823.1, NM_001281493.2 and 6 more transcripts); c.37_38delinsA, p.Pro13fs (NM_001406831.1); c.103_104delinsA, p.Pro35fs (NM_001406832.1); c.1201_1202delinsA, p.Pro401fs (NM_001407362.1); c.2866_2867delinsA, p.Pro956fs (NM_001281492.2); and 7 more; short protein forms P1060fs, P1088fs, P35fs, P401fs, P784fs, P798fs, P956fs, P1118fs.
Identifiers: ClinVar variation 5024875 (VCV005024875.1).